The following is an entry in ClinVar:

ClinVar aggregate classification (germline): Uncertain significance (1 of 4 stars; one submission).

Submission:

Labcorp Genetics (formerly Invitae), Labcorp
Classification: Uncertain significance. Last evaluated: 2021-11-27. Review status: criteria provided, single submitter. Criteria: Invitae Variant Classification Sherloc (09022015). Collection method: clinical testing. Allele origin: germline.
Comment: In summary, the available evidence is currently insufficient to determine the role of this variant in disease. Therefore, it has been classified as a Variant of Uncertain Significance. Advanced modeling of protein sequence and biophysical properties (such as structural, functional, and spatial information, amino acid conservation, physicochemical variation, residue mobility, and thermodynamic stability) performed at Invitae indicates that this missense variant is expected to disrupt HNF1A protein function. This variant has not been reported in the literature in individuals affected with HNF1A-related conditions. This variant is not present in population databases (gnomAD no frequency). This sequence change replaces glycine, which is neutral and non-polar, with valine, which is neutral and non-polar, at codon 355 of the HNF1A protein (p.Gly355Val).

NM_000545.8(HNF1A):c.1064G>T (p.Gly355Val)

Gene: HNF1A (HNF1 homeobox A; plus strand). Cytogenetic location: 12q24.31.
Variant type: single nucleotide variant.
Coding change: c.1064G>T on transcript NM_000545.8 (MANE Select); coding-DNA position 1064, G replaced by T.
Protein change: p.Gly355Val; replaces glycine 355 with valine.
Molecular consequence: missense variant.
Genome position (GRCh38, 1-based): chr12:120,996,370, G>T. VCF-style: chr12-120996370-G-T. GRCh37 (hg19) VCF-style: chr12-121434173-G-T.
Other names: c.1064G>T, p.Gly355Val (NM_001306179.2); short protein forms G355V.
Identifiers: ClinVar variation 1417251 (VCV001417251.6), dbSNP rs2135845325, ClinGen allele CA386968361.